The following is an entry in ClinVar:

NM_002907.4(RECQL):c.980_981del (p.Asp326_Ser327insTer)

Gene: RECQL (RecQ like helicase; minus strand). Cytogenetic location: 12p12.1.
Variant type: Microsatellite.
Coding change: c.980_981del on transcript NM_002907.4 (MANE Select); coding-DNA positions 980 to 981, 2 bases deleted (CT; older notation c.980_981delCT).
Protein change: p.Asp326_Ser327insTer.
Molecular consequence: nonsense.
Genome position (GRCh38, 1-based): chr12:21,475,793-21,475,794, AG deleted on the plus strand (CT on the coding strand, the reverse complement: RECQL is on the minus strand); deleting any 2 consecutive bases within chr12:21,475,793-21,475,796 gives the same sequence; the c. name uses the placement nearest the transcript's 3' end. VCF-style (leftmost placement, unchanged base first): chr12-21475792-CAG-C. GRCh37 (hg19) VCF-style: chr12-21628726-CAG-C.
Other names: c.980_981del, p.Asp326_Ser327insTer (NM_032941.3).
Identifiers: ClinVar variation 1439433 (VCV001439433.9), dbSNP rs1943075507, ClinGen allele CA945488152.

ClinVar aggregate classification (germline): Uncertain significance. Review status: criteria provided, multiple submitters, no conflicts (2 of 4 stars). 2 submissions from 2 submitters: Uncertain significance (2). Last evaluated 2025-05-29.

Submissions (2):

Labcorp Genetics (formerly Invitae), Labcorp
Classification: Uncertain significance. Last evaluated: 2025-05-29. Review status: criteria provided, single submitter. Criteria: Invitae Variant Classification Sherloc (09022015). Collection method: clinical testing. Allele origin: germline.
Comment: This sequence change creates a premature translational stop signal (p.Ser327*) in the RECQL gene. It is expected to result in an absent or disrupted protein product. However, the current clinical and genetic evidence is not sufficient to establish whether loss-of-function variants in RECQL cause disease. This variant is not present in population databases (gnomAD no frequency). This variant has not been reported in the literature in individuals affected with RECQL-related conditions. In summary, the available evidence is currently insufficient to determine the role of this variant in disease. Therefore, it has been classified as a Variant of Uncertain Significance.

Ambry Genetics
Classification: Uncertain significance. Last evaluated: 2024-06-28. Review status: criteria provided, single submitter. Criteria: Ambry Variant Classification Scheme 2023. Collection method: clinical testing. Allele origin: germline.
Comment: The c.980_981delCT variant, located in coding exon 8 of the RECQL gene, results from a deletion of two nucleotides at nucleotide positions 980 to 981, causing a translational frameshift with a predicted alternate stop codon (p.S327*). This alteration is expected to result in loss of function by premature protein truncation or nonsense-mediated mRNA decay. The evidence for this gene-disease relationship is limited; therefore, the clinical significance of this alteration is unclear.